The following is an entry in ClinVar:

ClinVar aggregate classification (germline): Uncertain significance (1 of 4 stars; one submission).

Submission:

GeneDx
Classification: Uncertain significance. Last evaluated: 2019-11-07. Review status: criteria provided, single submitter. Criteria: GeneDx Variant Classification Process June 2021. Collection method: clinical testing. Allele origin: germline. Affected: yes.
Comment: Not observed in large population cohorts (Lek et al., 2016); In silico analysis, which includes protein predictors and evolutionary conservation, supports a deleterious effect; Has not been previously published as pathogenic or benign to our knowledge

NM_012179.4(FBXO7):c.1037T>A (p.Leu346His)

Gene: FBXO7 (F-box protein 7; plus strand). Cytogenetic location: 22q12.3.
Variant type: single nucleotide variant.
Coding change: c.1037T>A on transcript NM_012179.4 (MANE Select); coding-DNA position 1037, T replaced by A.
Protein change: p.Leu346His; replaces leucine 346 with histidine.
Molecular consequence: missense variant.
Genome position (GRCh38, 1-based): chr22:32,493,174, T>A. VCF-style: chr22-32493174-T-A. GRCh37 (hg19) VCF-style: chr22-32889161-T-A.
Other names: c.800T>A, p.Leu267His (NM_001033024.2); c.695T>A, p.Leu232His (NM_001257990.2); short protein forms L232H, L267H, L346H.
Identifiers: ClinVar variation 1304669 (VCV001304669.2), dbSNP rs2146002860, ClinGen allele CA411334594.